The following is an entry in ClinVar:

ClinVar aggregate classification (germline): Pathogenic/Likely pathogenic. Review status: criteria provided, multiple submitters, no conflicts (2 of 4 stars). 7 submissions from 7 submitters: Pathogenic (6); Likely pathogenic (1). Last evaluated 2025-09-26.

Conditions:
Citrullinemia. Identifiers: Orphanet 187, MedGen C0175683, MONDO:0015991.
ASS1-related disorder. Also called: ASS1-related condition.
Citrullinemia type I (CTNL1). Also called: ASS DEFICIENCY; argininosuccinate synthetase deficiency. Identifiers: Orphanet 247525, MedGen C4721769, MONDO:0008988, OMIM 215700.

Allele frequency attached by ClinVar (database versions not stated): TOPMed 0.00001; ExAC 0.00001; gnomAD 0.00001; gnomAD exomes 0.00001; ESP Exome Variant Server 0.00008.
gnomAD v4.1: 11 of 1,614,054 alleles (0.00068%); highest among the groups gnomAD compares: East Asian, 0.0022%; no homozygotes.

Submissions (7):

Women's Health and Genetics/Laboratory Corporation of America, LabCorp
Classification: Pathogenic for Citrullinemia type I. Last evaluated: 2025-09-26. Review status: criteria provided, single submitter. Criteria: LabCorp Variant Classification Summary - May 2015. Collection method: clinical testing. Allele origin: germline.
Comment: Variant summary: ASS1 c.793C>T (p.Arg265Cys) results in a non-conservative amino acid change in the encoded protein sequence. Algorithms developed to predict the effect of missense changes on protein structure and function all suggest that this variant is likely to be disruptive. The variant allele was found at a frequency of 8e-06 in 251342 control chromosomes. c.793C>T has been observed in individuals affected with Citrullinemia type I (e.g. Gupta_2012, Kimani_2015, Kilic_2017). These data indicate that the variant is likely to be associated with disease. A different variant affecting the same codon has been classified as likely pathogenic/pathogenic by our lab (c.794G>A, p.Arg265His), supporting the critical relevance of codon 265 to ASS1 protein function. Additionally, at least one publication reports experimental evidence evaluating an impact of p.Arg265Cys on protein function. The most pronounced variant effect resulted in <2% of normal activity (Berning_2008). The following publications have been ascertained in the context of this evaluation (PMID: 18473344, 22885444, 30035404, 25179242). ClinVar contains an entry for this variant (Variation ID: 92373). Based on the evidence outlined above, the variant was classified as pathogenic.

Labcorp Genetics (formerly Invitae), Labcorp
Classification: Pathogenic for Citrullinemia. Last evaluated: 2025-06-12. Review status: criteria provided, single submitter. Criteria: Invitae Variant Classification Sherloc (09022015). Collection method: clinical testing. Allele origin: germline.
Comment: This sequence change replaces arginine, which is basic and polar, with cysteine, which is neutral and slightly polar, at codon 265 of the ASS1 protein (p.Arg265Cys). This variant is present in population databases (rs148918985, gnomAD 0.003%). This missense change has been observed in individuals with citrullinemia type I (PMID: 28132756, 30285816). ClinVar contains an entry for this variant (Variation ID: 92373). Invitae Evidence Modeling of protein sequence and biophysical properties (such as structural, functional, and spatial information, amino acid conservation, physicochemical variation, residue mobility, and thermodynamic stability) indicates that this missense variant is expected to disrupt ASS1 protein function with a positive predictive value of 80%. Experimental studies have shown that this missense change affects ASS1 function (PMID: 18473344). This variant disrupts the p.Arg265 amino acid residue in ASS1. Other variant(s) that disrupt this residue have been determined to be pathogenic (PMID: 12815590). This suggests that this residue is clinically significant, and that variants that disrupt this residue are likely to be disease-causing. For these reasons, this variant has been classified as Pathogenic.

Genetics and Genomic Medicine Centre, NeuroGen Healthcare, NeuroGen Healthcare
Classification: Pathogenic for Citrullinemia type I. Last evaluated: 2025-01-25. Review status: criteria provided, single submitter. Criteria: ACMG Guidelines, 2015. Collection method: clinical testing. Allele origin: unknown. Affected: yes.

Natera, Inc.
Classification: Likely pathogenic for Citrullinemia type I. Last evaluated: 2024-10-28. Review status: criteria provided, single submitter. Criteria: Natera Variant Classification Schema (03/2026). Collection method: clinical testing. Allele origin: germline.
Comment: The c.793C>T variant in ASS1 is a missense variant predicted to cause substitution of arginine to cysteine at amino acid 265. This variant is rare in the general population with a frequency below the threshold expected for the associated phenotype(s). This variant has been observed in one or more individuals affected with the associated recessive disease, as either homozygous or compound heterozygous with a second variant (PMID: 30285816, 25179242, 28132756). Functional studies show that this variant may disrupt protein function (PMID: 20724589). Computational prediction algorithms indicate this variant is likely to affect gene or protein function. Given the available evidence, this variant is classified as Likely Pathogenic.

Fulgent Genetics
Classification: Pathogenic for Citrullinemia type I. Last evaluated: 2024-05-06. Review status: criteria provided, single submitter. Criteria: ACMG Guidelines, 2015. Collection method: clinical testing. Allele origin: germline.

Blueprint Genetics
Classification: Pathogenic for ASS1-related disorders. Last evaluated: 2023-12-15. Review status: criteria provided, single submitter. Criteria: ACMG Guidelines, 2015. Collection method: clinical testing. Allele origin: germline. Affected: yes. Observed: 2 variant alleles.

Eurofins Ntd Llc (ga)
Classification: Pathogenic. Last evaluated: 2013-01-18. Review status: criteria provided, single submitter. Criteria: EGL Classification Definitions 2015. Collection method: clinical testing. Allele origin: germline. Observed: 1 variant allele, 1 homozygote.

Literature cited by the submitters: PubMed 18473344 (cited by Women's Health and Genetics/Laboratory Corporation of America, LabCorp and Labcorp Genetics (formerly Invitae), Labcorp); PubMed 22885444 (cited by Women's Health and Genetics/Laboratory Corporation of America, LabCorp); PubMed 30035404 (cited by Women's Health and Genetics/Laboratory Corporation of America, LabCorp); PubMed 25179242 (cited by Women's Health and Genetics/Laboratory Corporation of America, LabCorp and Natera, Inc.); PubMed 28132756 (cited by Labcorp Genetics (formerly Invitae), Labcorp and Natera, Inc.); PubMed 30285816 (cited by Labcorp Genetics (formerly Invitae), Labcorp and Natera, Inc.); PubMed 12815590 (cited by Labcorp Genetics (formerly Invitae), Labcorp); PubMed 20724589 (cited by Natera, Inc.).

NM_054012.4(ASS1):c.793C>T (p.Arg265Cys)

Gene: ASS1 (argininosuccinate synthase 1; plus strand). Cytogenetic location: 9q34.11.
Variant type: single nucleotide variant.
Coding change: c.793C>T on transcript NM_054012.4 (MANE Select); coding-DNA position 793, C replaced by T.
Protein change: p.Arg265Cys; replaces arginine 265 with cysteine.
Molecular consequence: missense variant.
Genome position (GRCh38, 1-based): chr9:130,480,404, C>T. VCF-style: chr9-130480404-C-T. GRCh37 (hg19) VCF-style: chr9-133355791-C-T.
Other names: c.793C>T, p.Arg265Cys (NM_000050.4); short protein forms R265C.
Identifiers: ClinVar variation 92373 (VCV000092373.20), dbSNP rs148918985, ClinGen allele CA266754.